The following is an entry in ClinVar:

NM_017841.4(SDHAF2):c.467C>T (p.Pro156Leu)

Gene: SDHAF2 (succinate dehydrogenase complex assembly factor 2; plus strand). Cytogenetic location: 11q12.2.
Variant type: single nucleotide variant.
Coding change: c.467C>T on transcript NM_017841.4 (MANE Select); coding-DNA position 467, C replaced by T.
Protein change: p.Pro156Leu; replaces proline 156 with leucine.
Molecular consequence: missense variant.
Genome position (GRCh38, 1-based): chr11:61,446,037, C>T. VCF-style: chr11-61446037-C-T. GRCh37 (hg19) VCF-style: chr11-61213509-C-T.
Other names: short protein forms P156L.
Identifiers: ClinVar variation 1742383 (VCV001742383.7), dbSNP rs1862133477, ClinGen allele CA380685500.

ClinVar aggregate classification (germline): Uncertain significance. Review status: criteria provided, multiple submitters, no conflicts (2 of 4 stars). 2 submissions from 2 submitters: Uncertain significance (2). Last evaluated 2024-10-28.

Conditions:
Hereditary cancer-predisposing syndrome. Also called: Neoplastic Syndromes, Hereditary; Tumor predisposition; Hereditary Cancer Syndrome; Hereditary neoplastic syndrome. Identifiers: Orphanet 140162, MedGen C0027672, MeSH D009386, MONDO:0015356.
Hereditary pheochromocytoma and paraganglioma. Also called: Hereditary pheochromocytoma-paraganglioma; Hereditary paragangliomas and pheochromocytomas; Hereditary Paraganglioma-Pheochromocytoma Syndromes. Identifiers: Orphanet 29072, MedGen C4274332, MONDO:0017366.

Allele frequency attached by ClinVar (database versions not stated): TOPMed below 0.00001.

Submissions (2):

Labcorp Genetics (formerly Invitae), Labcorp
Classification: Uncertain significance for Hereditary pheochromocytoma and paraganglioma. Last evaluated: 2024-10-28. Review status: criteria provided, single submitter. Criteria: Invitae Variant Classification Sherloc (09022015). Collection method: clinical testing. Allele origin: germline.
Comment: This sequence change replaces proline, which is neutral and non-polar, with leucine, which is neutral and non-polar, at codon 156 of the SDHAF2 protein (p.Pro156Leu). This variant is not present in population databases (gnomAD no frequency). This variant has not been reported in the literature in individuals affected with SDHAF2-related conditions. ClinVar contains an entry for this variant (Variation ID: 1742383). An algorithm developed to predict the effect of missense changes on protein structure and function (PolyPhen-2) suggests that this variant is likely to be disruptive. In summary, the available evidence is currently insufficient to determine the role of this variant in disease. Therefore, it has been classified as a Variant of Uncertain Significance.

Ambry Genetics
Classification: Uncertain significance for Hereditary cancer-predisposing syndrome. Last evaluated: 2021-02-04. Review status: criteria provided, single submitter. Criteria: Ambry Variant Classification Scheme 2023. Collection method: clinical testing. Allele origin: germline.
Comment: The p.P156L variant (also known as c.467C>T), located in coding exon 4 of the SDHAF2 gene, results from a C to T substitution at nucleotide position 467. The proline at codon 156 is replaced by leucine, an amino acid with similar properties. This amino acid position is highly conserved in available vertebrate species. In addition, this alteration is predicted to be deleterious by in silico analysis. Since supporting evidence is limited at this time, the clinical significance of this alteration remains unclear.